The following is an entry in ClinVar:

ClinVar aggregate classification (germline): Uncertain significance (1 of 4 stars; one submission).

Submission:

GeneDx
Classification: Uncertain significance. Last evaluated: 2026-03-20. Review status: criteria provided, single submitter. Criteria: GeneDx Variant Classification Process June 2021. Collection method: clinical testing. Allele origin: germline.
Comment: Not observed at significant frequency in large population cohorts (gnomAD); In silico analysis suggests that this missense variant does not alter protein structure/function; Has not been previously published as pathogenic or benign to our knowledge

NM_014712.3(SETD1A):c.3959C>T (p.Pro1320Leu)

Gene: SETD1A (SET domain containing 1A, histone lysine methyltransferase; plus strand). Cytogenetic location: 16p11.2.
Variant type: single nucleotide variant.
Coding change: c.3959C>T on transcript NM_014712.3 (MANE Select); coding-DNA position 3959, C replaced by T.
Protein change: p.Pro1320Leu; replaces proline 1320 with leucine.
Molecular consequence: missense variant.
Genome position (GRCh38, 1-based): chr16:30,979,745, C>T. VCF-style: chr16-30979745-C-T. GRCh37 (hg19) VCF-style: chr16-30991066-C-T.
Other names: short protein forms P1320L.
Identifiers: ClinVar variation 5017165 (VCV005017165.1).